The following is an entry in ClinVar:

NM_177438.3(DICER1):c.4645C>G (p.His1549Asp)

Gene: DICER1 (dicer 1, ribonuclease III; minus strand). Cytogenetic location: 14q32.13.
Variant type: single nucleotide variant.
Coding change: c.4645C>G on transcript NM_177438.3 (MANE Select); coding-DNA position 4645, C replaced by G.
Protein change: p.His1549Asp; replaces histidine 1549 with aspartic acid.
Molecular consequence: missense variant. On other transcripts: non-coding transcript variant (6).
Genome position (GRCh38, 1-based): chr14:95,096,275, G>C on the plus strand (C>G on the coding strand, the complement: DICER1 is on the minus strand). VCF-style: chr14-95096275-G-C. GRCh37 (hg19) VCF-style: chr14-95562612-G-C.
Other names: c.4645C>G, p.His1549Asp (NM_001195573.1, NM_001271282.3, NM_001291628.2 and 13 more transcripts); c.4363C>G, p.His1455Asp (NM_001395686.1); c.4240C>G, p.His1414Asp (NM_001395687.1, NM_001395688.1, NM_001395689.1 and 2 more transcripts); c.4078C>G, p.His1360Asp (NM_001395691.1); c.2962C>G, p.His988Asp (NM_001395697.1); short protein forms H1360D, H1455D, H1549D, H988D, H1414D.
Identifiers: ClinVar variation 2980351 (VCV002980351.3), dbSNP rs1595340328, ClinGen allele CA390867622.
Genomic context (GRCh38, chr14:95,096,275, plus strand): 5'-AGCCCAGCAGGGCTTCCACACAGTCCGCTATGCTTTTGTCAGCAATACACTGCTCAGTGT[G>C]CAAGTCGTAAGAAATGGACTGCTTTCCCGTGTCAACACCACAGTTTTCTTCTGATGGATT-3'
Protein context (NP_803187.1, residues 1539-1559): TGKQSISYDL[His1549Asp]TEQCIADKSI

ClinVar aggregate classification (germline): Uncertain significance (1 of 4 stars; one submission).

Conditions:
DICER1-related tumor predisposition. Also called: DICER1 syndrome; DICER1-related pleuropulmonary blastoma cancer predisposition syndrome. Identifiers: Orphanet 284343, MedGen C3839822, MONDO:0100216.

Submission:

Labcorp Genetics (formerly Invitae), Labcorp
Classification: Uncertain significance for DICER1-related tumor predisposition. Last evaluated: 2023-12-01. Review status: criteria provided, single submitter. Criteria: Invitae Variant Classification Sherloc (09022015). Collection method: clinical testing. Allele origin: germline.
Comment: This sequence change replaces histidine, which is basic and polar, with aspartic acid, which is acidic and polar, at codon 1549 of the DICER1 protein (p.His1549Asp). This variant is not present in population databases (gnomAD no frequency). This variant has not been reported in the literature in individuals affected with DICER1-related conditions. Advanced modeling of protein sequence and biophysical properties (such as structural, functional, and spatial information, amino acid conservation, physicochemical variation, residue mobility, and thermodynamic stability) performed at Invitae indicates that this missense variant is expected to disrupt DICER1 protein function with a positive predictive value of 80%. In summary, the available evidence is currently insufficient to determine the role of this variant in disease. Therefore, it has been classified as a Variant of Uncertain Significance.